The following is an entry in ClinVar:

ClinVar aggregate classification (germline): Uncertain significance (1 of 4 stars; one submission).

Conditions:
Alstrom syndrome (ALMS). Identifiers: Orphanet 64, MedGen C0268425, MONDO:0008763, OMIM 203800.

Submission:

Labcorp Genetics (formerly Invitae), Labcorp
Classification: Uncertain significance for Alstrom syndrome. Last evaluated: 2021-09-06. Review status: criteria provided, single submitter. Criteria: Invitae Variant Classification Sherloc (09022015). Collection method: clinical testing. Allele origin: germline.
Comment: This sequence change replaces isoleucine with threonine at codon 1579 of the ALMS1 protein (p.Ile1579Thr). The isoleucine residue is weakly conserved and there is a moderate physicochemical difference between isoleucine and threonine. This variant is not present in population databases (ExAC no frequency). This variant has not been reported in the literature in individuals affected with ALMS1-related conditions. Experimental studies and prediction algorithms are not available or were not evaluated, and the functional significance of this variant is currently unknown. In summary, the available evidence is currently insufficient to determine the role of this variant in disease. Therefore, it has been classified as a Variant of Uncertain Significance.

NM_001378454.1(ALMS1):c.4733T>C (p.Ile1578Thr)

Gene: ALMS1 (ALMS1 centrosome and basal body associated protein; plus strand). Cytogenetic location: 2p13.1.
Variant type: single nucleotide variant.
Coding change: c.4733T>C on transcript NM_001378454.1 (MANE Select); coding-DNA position 4733, T replaced by C.
Protein change: p.Ile1578Thr; replaces isoleucine 1578 with threonine.
Molecular consequence: missense variant.
Genome position (GRCh38, 1-based): chr2:73,451,260, T>C. VCF-style: chr2-73451260-T-C. GRCh37 (hg19) VCF-style: chr2-73678387-T-C.
Other names: c.4736T>C, p.Ile1579Thr (NM_015120.4); short protein forms I1579T, I1578T.
Identifiers: ClinVar variation 1403901 (VCV001403901.3), dbSNP rs2103783837, ClinGen allele CA347279148.